The following is an entry in ClinVar:

NM_000742.4(CHRNA2):c.745G>A (p.Ala249Thr)

Gene: CHRNA2 (cholinergic receptor nicotinic alpha 2 subunit; minus strand). Cytogenetic location: 8p21.2.
Variant type: single nucleotide variant.
Coding change: c.745G>A on transcript NM_000742.4 (MANE Select); coding-DNA position 745, G replaced by A.
Protein change: p.Ala249Thr; replaces alanine 249 with threonine.
Molecular consequence: missense variant.
Genome position (GRCh38, 1-based): chr8:27,463,698, C>T on the plus strand (G>A on the coding strand, the complement: CHRNA2 is on the minus strand). VCF-style: chr8-27463698-C-T. GRCh37 (hg19) VCF-style: chr8-27321215-C-T.
Other names: p.A249T:GCC>ACC; c.700G>A, p.Ala234Thr (NM_001282455.2); c.268G>A, p.Ala90Thr (NM_001347705.2, NM_001347706.2); c.151G>A, p.Ala51Thr (NM_001347707.2, NM_001347708.2); short protein forms A249T, A234T, A51T, A90T.
Identifiers: ClinVar variation 204946 (VCV000204946.29), dbSNP rs77710085, ClinGen allele CA313415.

ClinVar aggregate classification (germline): Conflicting classifications of pathogenicity. Review status: criteria provided, conflicting classifications (1 of 4 stars). 9 submissions from 9 submitters: Uncertain significance (1); Benign (4); Likely benign (3). 1 of the submissions does not count toward it. Last evaluated 2026-06-01.

Conditions:
CHRNA2-related disorder. Also called: CHRNA2-related condition.
Familial sleep-related hypermotor epilepsy. Also called: Autosomal Dominant Sleep-Related Hypermotor (Hyperkinetic) Epilepsy. Identifiers: Orphanet 98784, MedGen C3696898, MONDO:0000030.
Inborn genetic diseases. Identifiers: MedGen C0950123, MeSH D030342.
Autosomal dominant nocturnal frontal lobe epilepsy 4. Also called: CHRNA2-Related Nocturnal Frontal Lobe Epilepsy, Autosomal Dominant; EPILEPSY, FAMILIAL, WITH NOCTURNAL WANDERING AND ICTAL FEAR. Identifiers: Orphanet 98784, MedGen C1835905, MONDO:0012474, OMIM 610353.

Allele frequency attached by ClinVar (database versions not stated): gnomAD exomes 0.00006 and 0.00022; ESP Exome Variant Server 0.00008; ExAC 0.00023; TOPMed 0.00024; gnomAD 0.00029; 1000 Genomes Project 0.00060; 1000 Genomes Project 30x 0.00062.
gnomAD v4.1: 224 of 1,579,402 alleles (0.014%); highest among the groups gnomAD compares: East Asian, 0.18%; 6 homozygotes.

Submissions (9):

CeGaT Center for Human Genetics Tuebingen
Classification: Likely benign. Last evaluated: 2026-06-01. Review status: criteria provided, single submitter. Criteria: CeGaT Center For Human Genetics Tuebingen Variant Classification Criteria Version 2. Collection method: clinical testing. Allele origin: germline. Affected: yes. Observed: 1 variant allele.
Comment: CHRNA2: BP4, BS1

Labcorp Genetics (formerly Invitae), Labcorp
Classification: Likely benign. Last evaluated: 2026-01-31. Review status: criteria provided, single submitter. Criteria: Invitae Variant Classification Sherloc (09022015). Collection method: clinical testing. Allele origin: germline.

Blueprint Genetics
Classification: Likely benign. Last evaluated: 2024-11-04. Review status: criteria provided, single submitter. Criteria: ACMG Guidelines, 2015. Collection method: clinical testing. Allele origin: germline.

GeneDx
Classification: Benign. Last evaluated: 2020-12-18. Review status: criteria provided, single submitter. Criteria: GeneDx Variant Classification Process June 2021. Collection method: clinical testing. Allele origin: germline. Affected: yes.

Ambry Genetics
Classification: Benign for Inborn genetic diseases. Last evaluated: 2019-01-08. Review status: criteria provided, single submitter. Criteria: Ambry Variant Classification Scheme 2023. Collection method: clinical testing. Allele origin: germline.

Athena Diagnostics
Classification: Benign. Last evaluated: 2018-03-05. Review status: criteria provided, single submitter. Criteria: Athena Diagnostics Criteria. Collection method: clinical testing. Allele origin: germline.

Illumina Laboratory Services, Illumina
Classification: Benign for Autosomal dominant nocturnal frontal lobe epilepsy 4. Last evaluated: 2018-01-12. Review status: criteria provided, single submitter. Criteria: ICSL Variant Classification Criteria 13 December 2019. Collection method: clinical testing. Allele origin: germline.
Comment: This variant was observed in the ICSL laboratory as part of a predisposition screen in an ostensibly healthy population. It had not been previously curated by ICSL or reported in the Human Gene Mutation Database (HGMD: prior to June 1st, 2018), and was therefore a candidate for classification through an automated scoring system. Utilizing variant allele frequency, disease prevalence and penetrance estimates, and inheritance mode, an automated score was calculated to assess if this variant is too frequent to cause the disease. Based on the score and internal cut-off values, a variant classified as benign is not then subjected to further curation. The score for this variant resulted in a classification of benign for this disease.

Eurofins Ntd Llc (ga)
Classification: Uncertain significance. Last evaluated: 2016-11-22. Review status: criteria provided, single submitter. Criteria: EGL Classification Definitions 2015. Collection method: clinical testing. Allele origin: germline. Observed: 1 variant allele, 1 heterozygote.

PreventionGenetics, part of Exact Sciences
Classification: Likely benign for CHRNA2-related condition. Last evaluated: 2020-03-18. Review status: no assertion criteria provided. Collection method: clinical testing. Allele origin: germline. Not counted in ClinVar's aggregate classification.
Comment: This variant is classified as likely benign based on ACMG/AMP sequence variant interpretation guidelines (Richards et al. 2015 PMID: 25741868, with internal and published modifications).